The following is an entry in ClinVar:

ClinVar aggregate classification (germline): Uncertain significance (1 of 4 stars; one submission).

gnomAD v4.1: 1 of 1,614,166 alleles (0.000062%); highest among the groups gnomAD compares: Non-Finnish European, 0.000085%; no homozygotes.

Submission:

Labcorp Genetics (formerly Invitae), Labcorp
Classification: Uncertain significance. Last evaluated: 2026-01-08. Review status: criteria provided, single submitter. Criteria: Invitae Variant Classification Sherloc (09022015). Collection method: clinical testing. Allele origin: germline.
Comment: This sequence change replaces threonine, which is neutral and polar, with isoleucine, which is neutral and non-polar, at codon 577 of the VPS33B protein (p.Thr577Ile). This variant is not present in population databases (gnomAD no frequency). This variant has not been reported in the literature in individuals affected with VPS33B-related conditions. Invitae Evidence Modeling of protein sequence and biophysical properties (such as structural, functional, and spatial information, amino acid conservation, physicochemical variation, residue mobility, and thermodynamic stability) indicates that this missense variant is expected to disrupt VPS33B protein function with a positive predictive value of 80%. In summary, the available evidence is currently insufficient to determine the role of this variant in disease. Therefore, it has been classified as a Variant of Uncertain Significance.

NM_018668.5(VPS33B):c.1730C>T (p.Thr577Ile)

Gene: VPS33B (VPS33B late endosome and lysosome associated; minus strand). Cytogenetic location: 15q26.1.
Variant type: single nucleotide variant.
Coding change: c.1730C>T on transcript NM_018668.5 (MANE Select); coding-DNA position 1730, C replaced by T.
Protein change: p.Thr577Ile; replaces threonine 577 with isoleucine.
Molecular consequence: missense variant.
Genome position (GRCh38, 1-based): chr15:90,999,721, G>A on the plus strand (C>T on the coding strand, the complement: VPS33B is on the minus strand). VCF-style: chr15-90999721-G-A. GRCh37 (hg19) VCF-style: chr15-91542951-G-A.
Other names: c.1649C>T, p.Thr550Ile (NM_001289148.1); c.1457C>T, p.Thr486Ile (NM_001289149.1); short protein forms T486I, T577I, T550I.
Identifiers: ClinVar variation 4770533 (VCV004770533.1).